The following is an entry in ClinVar:

NM_001353345.2(SETD1B):c.5232G>A (p.Thr1744=)

Gene: SETD1B (SET domain containing 1B, histone lysine methyltransferase; plus strand). Cytogenetic location: 12q24.31.
Variant type: single nucleotide variant.
Coding change: c.5232G>A on transcript NM_001353345.2 (MANE Select); coding-DNA position 5232, G replaced by A.
Protein change: p.Thr1744=; no amino-acid change (threonine 1744 retained).
Molecular consequence: synonymous variant.
Genome position (GRCh38, 1-based): chr12:121,825,261, G>A. VCF-style: chr12-121825261-G-A. GRCh37 (hg19) VCF-style: chr12-122263167-G-A.
Identifiers: ClinVar variation 4533624 (VCV004533624.6).
Genomic context (GRCh38, chr12:121,825,261, plus strand): 5'-CACCAGCCTCTCTTCAGCTAAGAAGAAGAAACGGGACGATGGCATCCGCGAGCACGTGAC[G>A]GGCTGTGCCCGCAGTGAGGGCTTCTACACCATCGACAAGAAGGACAAGCTCAGATACCTC-3'
Protein context (NP_001340274.1, residues 1734-1754): KRDDGIREHV[Thr1744=]GCARSEGFYT

ClinVar aggregate classification (germline): Likely benign (1 of 4 stars; one submission).

gnomAD v4.1: 189 of 1,551,688 alleles (0.012%); highest among the groups gnomAD compares: Non-Finnish European, 0.015%; no homozygotes.

Submission:

CeGaT Center for Human Genetics Tuebingen
Classification: Likely benign. Last evaluated: 2025-11-01. Review status: criteria provided, single submitter. Criteria: CeGaT Center For Human Genetics Tuebingen Variant Classification Criteria Version 2. Collection method: clinical testing. Allele origin: germline. Affected: yes. Observed: 1 variant allele.
Comment: SETD1B: BP4, BP7